The following is an entry in ClinVar:

ClinVar aggregate classification (germline): Pathogenic (1 of 4 stars; one submission).

Submission:

Labcorp Genetics (formerly Invitae), Labcorp
Classification: Pathogenic. Last evaluated: 2023-02-23. Review status: criteria provided, single submitter. Criteria: Invitae Variant Classification Sherloc (09022015). Collection method: clinical testing. Allele origin: germline.
Comment: For these reasons, this variant has been classified as Pathogenic. This variant has not been reported in the literature in individuals affected with COL27A1-related conditions. This variant is not present in population databases (gnomAD no frequency). This sequence change creates a premature translational stop signal (p.Gly1288Alafs*279) in the COL27A1 gene. It is expected to result in an absent or disrupted protein product. Loss-of-function variants in COL27A1 are known to be pathogenic (PMID: 24986830, 28276056).

Literature cited by the submitters: PubMed 24986830; PubMed 28276056.

NM_032888.4(COL27A1):c.3863del (p.Gly1288fs)

Gene: COL27A1 (collagen type XXVII alpha 1 chain; plus strand). Cytogenetic location: 9q32.
Variant type: Deletion.
Coding change: c.3863del on transcript NM_032888.4 (MANE Select); coding-DNA position 3863, one base deleted (G; older notation c.3863delG).
Protein change: p.Gly1288fs; shifts the reading frame from glycine 1288.
Molecular consequence: frameshift variant.
Genome position (GRCh38, 1-based): chr9:114,282,548, G deleted; the last of 4 consecutive G bases (chr9:114,282,545-114,282,548); deleting any one gives the same sequence. VCF-style (leftmost placement, unchanged base first): chr9-114282544-CG-C. GRCh37 (hg19) VCF-style: chr9-117044824-CG-C.
Other names: short protein forms G1288fs.
Identifiers: ClinVar variation 2840111 (VCV002840111.3), dbSNP rs2491546539, ClinGen allele CA2691359521.